The following is an entry in ClinVar:

ClinVar aggregate classification (germline): Pathogenic/Likely pathogenic. Review status: criteria provided, multiple submitters, no conflicts (2 of 4 stars). 5 submissions from 5 submitters: Pathogenic (4); Likely pathogenic (1). Last evaluated 2025-04-16.

Conditions:
AP4B1-related disorder. Also called: AP4B1-related condition.
Hereditary spastic paraplegia 47. Also called: CEREBRAL PALSY, SPASTIC QUADRIPLEGIC, 5; adaptor protein 4 (AP-4) deficiency syndrome; Spastic paraplegia 47, autosomal recessive. Identifiers: Orphanet 280763, MedGen C3279738, MONDO:0013551, OMIM 614066.

Allele frequency attached by ClinVar (database versions not stated): gnomAD exomes 0.00001 and 0.00002; gnomAD 0.00002; TOPMed 0.00002; ExAC 0.00003.
gnomAD v4.1: 23 of 1,614,106 alleles (0.0014%); highest among the groups gnomAD compares: Non-Finnish European, 0.0019%; no homozygotes.

Submissions (5):

GeneDx
Classification: Pathogenic. Last evaluated: 2025-04-16. Review status: criteria provided, single submitter. Criteria: GeneDx Variant Classification Process June 2021. Collection method: clinical testing. Allele origin: germline. Affected: yes.
Comment: Nonsense variant predicted to result in protein truncation or nonsense mediated decay in a gene for which loss of function is a known mechanism of disease; Has not been previously published as pathogenic or benign to our knowledge; Not observed at significant frequency in large population cohorts (gnomAD)

Blueprint Genetics
Classification: Likely pathogenic for AP4B1-related disorders. Last evaluated: 2024-05-31. Review status: criteria provided, single submitter. Criteria: ACMG Guidelines, 2015. Collection method: clinical testing. Allele origin: germline. Affected: yes. Observed: 1 variant allele.

Women's Health and Genetics/Laboratory Corporation of America, LabCorp
Classification: Pathogenic for Hereditary spastic paraplegia 47. Last evaluated: 2023-06-12. Review status: criteria provided, single submitter. Criteria: LabCorp Variant Classification Summary - May 2015. Collection method: clinical testing. Allele origin: germline.
Comment: Variant summary: AP4B1 c.894T>A (p.Cys298X) results in a premature termination codon, predicted to cause a truncation of the encoded protein or absence of the protein due to nonsense mediated decay, which are commonly known mechanisms for disease. The variant allele was found at a frequency of 2.4e-05 in 251476 control chromosomes. To our knowledge, no occurrence of c.894T>A in individuals affected with Spastic Paraplegia 47, Autosomal Recessive and no experimental evidence demonstrating its impact on protein function have been reported. Two clinical diagnostic laboratories have submitted clinical-significance assessments for this variant to ClinVar after 2014 . All laboratories classified the variant as pathogenic. Based on the evidence outlined above, the variant was classified as pathogenic.

Genome-Nilou Lab
Classification: Pathogenic for Hereditary spastic paraplegia 47. Last evaluated: 2023-04-11. Review status: criteria provided, single submitter. Criteria: ACMG Guidelines, 2015. Collection method: clinical testing. Allele origin: germline. Affected: no.

Labcorp Genetics (formerly Invitae), Labcorp
Classification: Pathogenic for Hereditary spastic paraplegia 47. Last evaluated: 2019-06-17. Review status: criteria provided, single submitter. Criteria: Invitae Variant Classification Sherloc (09022015). Collection method: clinical testing. Allele origin: germline.
Comment: This variant has not been reported in the literature in individuals with AP4B1-related conditions. This variant is present in population databases (rs746462207, ExAC 0.006%). This sequence change creates a premature translational stop signal (p.Cys298*) in the AP4B1 gene. It is expected to result in an absent or disrupted protein product. Loss-of-function variants in AP4B1 are known to be pathogenic (PMID: 22290197, 24700674, 24781758). For these reasons, this variant has been classified as Pathogenic.

Literature cited by the submitters: PubMed 22290197 (cited by Labcorp Genetics (formerly Invitae), Labcorp); PubMed 24700674 (cited by Labcorp Genetics (formerly Invitae), Labcorp); PubMed 24781758 (cited by Labcorp Genetics (formerly Invitae), Labcorp).

NM_001253852.3(AP4B1):c.894T>A (p.Cys298Ter)

Genes: AP4B1 (adaptor related protein complex 4 subunit beta 1; minus strand), AP4B1-AS1 (AP4B1 antisense RNA 1; plus strand). Cytogenetic location: 1p13.2.
Variant type: single nucleotide variant.
Coding change: c.894T>A on transcript NM_001253852.3 (MANE Select); coding-DNA position 894, T replaced by A.
Protein change: p.Cys298Ter; replaces cysteine 298 with a stop codon.
Molecular consequence: nonsense. On other transcripts: non-coding transcript variant (2).
Genome position (GRCh38, 1-based): chr1:113,900,124, A>T on the plus strand (T>A on the coding strand, the complement: AP4B1 is on the minus strand). VCF-style: chr1-113900124-A-T. GRCh37 (hg19) VCF-style: chr1-114442746-A-T.
Other names: c.597T>A, p.Cys199Ter (NM_001253853.3); c.390T>A, p.Cys130Ter (NM_001308312.2); c.894T>A, p.Cys298Ter (NM_006594.5); c.894T>A (NM_006594.4); short protein forms C130*, C199*, C298*.
Identifiers: ClinVar variation 941894 (VCV000941894.13), dbSNP rs746462207, ClinGen allele CA1015988.